The following is an entry in ClinVar:

NM_000285.4(PEPD):c.511G>C (p.Val171Leu)

Gene: PEPD (peptidase D; minus strand). Cytogenetic location: 19q13.11.
Variant type: single nucleotide variant.
Coding change: c.511G>C on transcript NM_000285.4 (MANE Select); coding-DNA position 511, G replaced by C.
Protein change: p.Val171Leu; replaces valine 171 with leucine.
Molecular consequence: missense variant.
Genome position (GRCh38, 1-based): chr19:33,478,083, C>G on the plus strand (G>C on the coding strand, the complement: PEPD is on the minus strand). VCF-style: chr19-33478083-C-G. GRCh37 (hg19) VCF-style: chr19-33968989-C-G.
Other names: c.511G>C, p.Val171Leu (NM_001166056.2); c.319G>C, p.Val107Leu (NM_001166057.2); short protein forms V171L, V107L.
Identifiers: ClinVar variation 1414753 (VCV001414753.3), dbSNP rs368784737, ClinGen allele CA9364267.
Genomic context (GRCh38, chr19:33,478,083, plus strand): 5'-AGGTGACCACAGGCCGTACTCACCACTCAACGATCTCTGGGTGAAGAATGGTATTGTTGA[C>G]TTCGAACCTGTAGGGCGAAAAGAAATCAAGCCCATTAATCCAACGGTCTGTCATGTCCCA-3'
Protein context (NP_000276.2, residues 161-181): ASFDGISKFE[Val171Leu]NNTILHPEIV

ClinVar aggregate classification (germline): Uncertain significance (1 of 4 stars; one submission).

Allele frequency attached by ClinVar (database versions not stated): ESP Exome Variant Server 0.00016; gnomAD 0.00001; ExAC 0.00002; gnomAD exomes 0.00001; TOPMed 0.00003.

Submission:

Labcorp Genetics (formerly Invitae), Labcorp
Classification: Uncertain significance. Last evaluated: 2022-07-19. Review status: criteria provided, single submitter. Criteria: Invitae Variant Classification Sherloc (09022015). Collection method: clinical testing. Allele origin: germline.
Comment: This sequence change replaces valine, which is neutral and non-polar, with leucine, which is neutral and non-polar, at codon 171 of the PEPD protein (p.Val171Leu). This variant is present in population databases (rs368784737, gnomAD 0.003%). This variant has not been reported in the literature in individuals affected with PEPD-related conditions. ClinVar contains an entry for this variant (Variation ID: 1414753). Algorithms developed to predict the effect of missense changes on protein structure and function (SIFT, PolyPhen-2, Align-GVGD) all suggest that this variant is likely to be tolerated. In summary, the available evidence is currently insufficient to determine the role of this variant in disease. Therefore, it has been classified as a Variant of Uncertain Significance.